The following is an entry in ClinVar:

ClinVar aggregate classification (germline): Likely benign (1 of 4 stars; one submission).

Allele frequency attached by ClinVar (database versions not stated): 1000 Genomes Project 0.00919; 1000 Genomes Project 30x 0.01046; TOPMed 0.01070.
gnomAD v4.1: 1,523 of 152,302 alleles (1%); highest among the groups gnomAD compares: African/African-American, 3.4%; 31 homozygotes.

Submission:

GeneDx
Classification: Likely benign. Last evaluated: 2018-06-14. Review status: criteria provided, single submitter. Criteria: GeneDx Variant Classification (06012015). Collection method: clinical testing. Allele origin: germline. Affected: yes.
Comment: This variant is considered likely benign or benign based on one or more of the following criteria: it is a conservative change, it occurs at a poorly conserved position in the protein, it is predicted to be benign by multiple in silico algorithms, and/or has population frequency not consistent with disease.

NM_001040436.3(YARS2):c.780-153T>C

Gene: YARS2 (tyrosyl-tRNA synthetase 2; minus strand). Cytogenetic location: 12p11.21.
Variant type: single nucleotide variant.
Coding change: c.780-153T>C on transcript NM_001040436.3 (MANE Select); 153 bases into the intron before coding-DNA position 780, T replaced by C.
Molecular consequence: intron variant.
Genome position (GRCh38, 1-based): chr12:32,754,238, A>G on the plus strand (T>C on the coding strand, the complement: YARS2 is on the minus strand). VCF-style: chr12-32754238-A-G. GRCh37 (hg19) VCF-style: chr12-32907172-A-G.
Identifiers: ClinVar variation 680981 (VCV000680981.1), dbSNP rs116033296, ClinGen allele CA235219809.